The following is an entry in ClinVar:

ClinVar aggregate classification (germline): Uncertain significance (0 of 4 stars; one submission).

Conditions:
OBSL1-related disorder. Also called: OBSL1-related condition.

Allele frequency attached by ClinVar (database versions not stated): ExAC 0.00001; ESP Exome Variant Server 0.00008.
gnomAD v4.1: 4 of 1,613,460 alleles (0.00025%); highest among the groups gnomAD compares: African/African-American, 0.004%; no homozygotes.

Submission:

PreventionGenetics, part of Exact Sciences
Classification: Uncertain significance for OBSL1-related condition. Last evaluated: 2024-01-12. Review status: no assertion criteria provided. Collection method: clinical testing. Allele origin: germline.
Comment: The OBSL1 c.1603C>G variant is predicted to result in the amino acid substitution p.Leu535Val. To our knowledge, this variant has not been reported in the literature. This variant is reported in 0.0065% of alleles in individuals of African descent in gnomAD. At this time, the clinical significance of this variant is uncertain due to the absence of conclusive functional and genetic evidence.

NM_015311.3(OBSL1):c.1603C>G (p.Leu535Val)

Gene: OBSL1 (obscurin like cytoskeletal adaptor 1; minus strand). Cytogenetic location: 2q35.
Variant type: single nucleotide variant.
Coding change: c.1603C>G on transcript NM_015311.3 (MANE Select); coding-DNA position 1603, C replaced by G.
Protein change: p.Leu535Val; replaces leucine 535 with valine.
Molecular consequence: missense variant.
Genome position (GRCh38, 1-based): chr2:219,567,507, G>C on the plus strand (C>G on the coding strand, the complement: OBSL1 is on the minus strand). VCF-style: chr2-219567507-G-C. GRCh37 (hg19) VCF-style: chr2-220432229-G-C.
Other names: c.1603C>G, p.Leu535Val (NM_001173408.2, NM_001173431.2); short protein forms L535V.
Identifiers: ClinVar variation 3061692 (VCV003061692.2), dbSNP rs368672930, ClinGen allele CA2131482.